The following is an entry in ClinVar:

ClinVar aggregate classification (germline): Benign. Review status: criteria provided, multiple submitters, no conflicts (2 of 4 stars). 2 submissions from 2 submitters: Benign (2). Last evaluated 2018-06-19.

Allele frequency attached by ClinVar (database versions not stated): 1000 Genomes Project 30x 0.22174; 1000 Genomes Project 0.22484; TOPMed 0.24771; gnomAD 0.25573 and 0.25815; gnomAD exomes 0.32642.
gnomAD v4.1: 443,385 of 1,392,130 alleles (32%); highest among the groups gnomAD compares: Non-Finnish European, 34%; 74,795 homozygotes.

Submissions (10):

GeneDx
Classification: Benign. Last evaluated: 2018-06-19. Review status: criteria provided, single submitter. Criteria: GeneDx Variant Classification (06012015). Collection method: clinical testing. Allele origin: germline. Affected: yes.
Comment: This variant is considered likely benign or benign based on one or more of the following criteria: it is a conservative change, it occurs at a poorly conserved position in the protein, it is predicted to be benign by multiple in silico algorithms, and/or has population frequency not consistent with disease.

Breakthrough Genomics
Classification: Benign. Review status: criteria provided, single submitter. Criteria: ACMG Guidelines, 2015. Collection method: not provided. Allele origin: germline. Inheritance: Autosomal dominant inheritance. Affected: yes.

Dr. Peter K. Rogan Lab, Western University
No classification provided (evidence only). Condition: Malignant lymphoma, large B-cell, diffuse. Review status: no classification provided. Collection method: in vitro. Allele origin: not applicable. Functional consequence: retained intron. Not counted in ClinVar's aggregate classification.

Dr. Peter K. Rogan Lab, Western University
No classification provided (evidence only). Condition: Uveal melanoma. Review status: no classification provided. Collection method: in vitro. Allele origin: not applicable. Functional consequence: retained intron. Not counted in ClinVar's aggregate classification.

Dr. Peter K. Rogan Lab, Western University
No classification provided (evidence only). Condition: Uveal melanoma. Review status: no classification provided. Collection method: in vitro. Allele origin: not applicable. Functional consequence: retained intron. Not counted in ClinVar's aggregate classification.

Dr. Peter K. Rogan Lab, Western University
No classification provided (evidence only). Condition: Uveal melanoma. Review status: no classification provided. Collection method: in vitro. Allele origin: not applicable. Functional consequence: retained intron. Not counted in ClinVar's aggregate classification.

Dr. Peter K. Rogan Lab, Western University
No classification provided (evidence only). Condition: Uveal melanoma. Review status: no classification provided. Collection method: in vitro. Allele origin: not applicable. Functional consequence: retained intron. Not counted in ClinVar's aggregate classification.

Dr. Peter K. Rogan Lab, Western University
No classification provided (evidence only). Condition: Uveal melanoma. Review status: no classification provided. Collection method: in vitro. Allele origin: not applicable. Functional consequence: retained intron. Not counted in ClinVar's aggregate classification.

Dr. Peter K. Rogan Lab, Western University
No classification provided (evidence only). Condition: Hepatocellular carcinoma. Review status: no classification provided. Collection method: in vitro. Allele origin: not applicable. Functional consequence: retained intron. Not counted in ClinVar's aggregate classification.

Dr. Peter K. Rogan Lab, Western University
No classification provided (evidence only). Condition: Hepatocellular carcinoma. Review status: no classification provided. Collection method: in vitro. Allele origin: not applicable. Functional consequence: retained intron. Not counted in ClinVar's aggregate classification.

NM_001130969.3(NSMF):c.1420-78G>A

Genes: NSMF (NMDA receptor synaptonuclear signaling and neuronal migration factor; minus strand), LOC126860797 (MED14-independent group 3 enhancer GRCh37_chr9:140343721-140344920; plus strand). Cytogenetic location: 9q34.3.
Variant type: single nucleotide variant.
Coding change: c.1420-78G>A on transcript NM_001130969.3 (MANE Select); 78 bases into the intron before coding-DNA position 1420, G replaced by A.
Molecular consequence: intron variant.
Genome position (GRCh38, 1-based): chr9:137,449,752, C>T on the plus strand (G>A on the coding strand, the complement: NSMF is on the minus strand). VCF-style: chr9-137449752-C-T. GRCh37 (hg19) VCF-style: chr9-140344204-C-T.
Other names: NC_000009.11:g.140344204C>T; c.1345-78G>A (NM_001130971.2); c.1414-78G>A (NM_015537.5); c.1351-78G>A (NM_001130970.2); c.1330-78G>A (NM_001178064.2).
Identifiers: ClinVar variation 673329 (VCV000673329.3), dbSNP rs41309970, ClinGen allele CA13060907.
Genomic context (GRCh38, chr9:137,449,752, plus strand): 5'-CCATGAGTCCGAGGCAGAGAGATGGGGAAGGAGGAGCGGGGAGGAGATGGGGAGCAGGGC[C>T]CACCCTCTTTTTTCAGACCCCCCAAACCTGGCTGGGCTCAGGCATAAAGGATTTCTAGGG-3'